The following is an entry in ClinVar:

ClinVar aggregate classification (germline): Pathogenic (0 of 4 stars; one submission).

Conditions:
Hereditary spastic paraplegia 11. Also called: SPASTIC PARAPLEGIA, AUTOSOMAL RECESSIVE, COMPLICATED, WITH THIN CORPUS CALLOSUM; SPASTIC PARAPLEGIA, AUTOSOMAL RECESSIVE, WITH MENTAL IMPAIRMENT AND THIN CORPUS CALLOSUM; Spastic paraplegia, mental retardation and thin corpus callosum; Spastic Paraplegia 11; Nakamura Osame syndrome; Autosomal recessive hereditary spastic paraplegia, mental impairment, and thin corpus callosum. Identifiers: Orphanet 2822, MedGen C1858479, MONDO:0011445, OMIM 604360.

Submission:

GeneReviews
Classification: Pathogenic for Spastic Paraplegia 11. Last evaluated: 2013-01-31. Review status: no assertion criteria provided. Collection method: curation. Allele origin: unknown.
ClinVar note: Converted during submission from pathologic to Pathogenic.

NM_025137.4(SPG11):c.5867-3237_6478-451del

Gene: SPG11 (SPG11 vesicle trafficking associated, spatacsin; minus strand). Cytogenetic location: 15q21.1.
Variant type: Deletion.
Coding change: c.5867-3237_6478-451del on transcript NM_025137.4 (MANE Select); 3237 bases into the intron before coding-DNA position 5867 through 451 bases into the intron before coding-DNA position 6478, 8,323 bases deleted.
Molecular consequence: splice acceptor variant, splice donor variant.
Genome position (GRCh38, 1-based): chr15:44,569,956-44,578,278, 8,323 bases deleted. GRCh37 (hg19): chr15:44,862,196-44,870,518.
Other names: c.5867-5458_6139-451del (NM_001160227.2); c.5867-3237_6478-451del8323 (NM_025137.3).
Identifiers: ClinVar variation 41329 (VCV000041329.3), ClinGen allele CA344360.